The following is an entry in ClinVar:

ClinVar aggregate classification (germline): Pathogenic (1 of 4 stars; one submission).

Submission:

Labcorp Genetics (formerly Invitae), Labcorp
Classification: Pathogenic. Last evaluated: 2023-09-26. Review status: criteria provided, single submitter. Criteria: Invitae Variant Classification Sherloc (09022015). Collection method: clinical testing. Allele origin: germline.
Comment: This sequence change creates a premature translational stop signal (p.Arg261Aspfs*12) in the DEAF1 gene. It is expected to result in an absent or disrupted protein product. Loss-of-function variants in DEAF1 are known to be pathogenic (PMID: 30923367). This variant is not present in population databases (gnomAD no frequency). This variant has not been reported in the literature in individuals affected with DEAF1-related conditions. For these reasons, this variant has been classified as Pathogenic.

Literature cited by the submitters: PubMed 30923367.

NM_021008.4(DEAF1):c.781del (p.Arg261fs)

Gene: DEAF1 (DEAF1 transcription factor; minus strand). Cytogenetic location: 11p15.5.
Variant type: Deletion.
Coding change: c.781del on transcript NM_021008.4 (MANE Select); coding-DNA position 781, one base deleted (C; older notation c.781delC).
Protein change: p.Arg261fs; shifts the reading frame from arginine 261.
Molecular consequence: frameshift variant. On other transcripts: intron variant (1).
Genome position (GRCh38, 1-based): chr11:686,881, G deleted on the plus strand (C on the coding strand, the reverse complement: DEAF1 is on the minus strand); the first of 2 consecutive G bases (chr11:686,881-686,882); deleting either gives the same sequence. VCF-style (leftmost placement, unchanged base first): chr11-686880-CG-C. GRCh37 (hg19) VCF-style: chr11-686880-CG-C.
Other names: c.55del, p.Arg19fs (NM_001367390.1, NM_001440885.1, NM_001440886.1 and 1 more transcripts); c.781del, p.Arg261fs (NM_001440883.1, NM_001440884.1); c.664+1030del (NM_001293634.2); short protein forms R261fs, R19fs.
Identifiers: ClinVar variation 2761468 (VCV002761468.3), dbSNP rs2494448372, ClinGen allele CA2697559015.
Genomic context (GRCh38, chr11:686,880, plus strand): 5'-AACTGTGTGCTGAGCACAGGTGAGGTCACGGACGATACCTGGATGAGGCACTGCAAGGGT[CG>C]GCCCGCGTAGCGAATGCTTCTTTTCCAGTCCTTACTGCTGGCTCTTCCTGCCATGGCCTC-3'